The following is an entry in ClinVar:

NM_006015.6(ARID1A):c.4869G>A (p.Ser1623=)

Gene: ARID1A (AT-rich interaction domain 1A; plus strand). Cytogenetic location: 1p36.11.
Variant type: single nucleotide variant.
Coding change: c.4869G>A on transcript NM_006015.6 (MANE Select); coding-DNA position 4869, G replaced by A.
Protein change: p.Ser1623=; no amino-acid change (serine 1623 retained).
Molecular consequence: synonymous variant.
Genome position (GRCh38, 1-based): chr1:26,775,096, G>A. VCF-style: chr1-26775096-G-A. GRCh37 (hg19) VCF-style: chr1-27101587-G-A.
Other names: c.4218G>A, p.Ser1406= (NM_139135.4).
Identifiers: ClinVar variation 1256938 (VCV001256938.28), dbSNP rs148936933, ClinGen allele CA707532.

ClinVar aggregate classification (germline): Benign/Likely benign. Review status: criteria provided, multiple submitters, no conflicts (2 of 4 stars). 5 submissions from 5 submitters: Benign (3); Likely benign (1). 1 of the submissions does not count toward it. Last evaluated 2025-12-31.

Conditions:
ARID1A-related disorder. Also called: ARID1A-related condition.
Intellectual disability, autosomal dominant 14 (CSS2). Also called: COFFIN-SIRIS SYNDROME 2. Identifiers: Orphanet 1465, MedGen C3553247, MONDO:0013819, OMIM 614607.

Allele frequency attached by ClinVar (database versions not stated): gnomAD exomes 0.00015 and 0.00031; ExAC 0.00030; ESP Exome Variant Server 0.00092; gnomAD 0.00098 and 0.00106; 1000 Genomes Project 0.00140; 1000 Genomes Project 30x 0.00141.
gnomAD v4.1: 386 of 1,612,838 alleles (0.024%); highest among the groups gnomAD compares: African/African-American, 0.27%; no homozygotes.

Submissions (5):

Labcorp Genetics (formerly Invitae), Labcorp
Classification: Benign. Last evaluated: 2025-12-31. Review status: criteria provided, single submitter. Criteria: Invitae Variant Classification Sherloc (09022015). Collection method: clinical testing. Allele origin: germline.

CeGaT Center for Human Genetics Tuebingen
Classification: Likely benign. Last evaluated: 2024-08-01. Review status: criteria provided, single submitter. Criteria: CeGaT Center For Human Genetics Tuebingen Variant Classification Criteria Version 2. Collection method: clinical testing. Allele origin: germline. Affected: yes. Observed: 1 variant allele.
Comment: ARID1A: BP4, BP7, BS1

Genome-Nilou Lab
Classification: Benign for Intellectual disability, autosomal dominant 14. Last evaluated: 2021-12-05. Review status: criteria provided, single submitter. Criteria: ACMG Guidelines, 2015. Collection method: clinical testing. Allele origin: germline. Affected: no.

GeneDx
Classification: Benign. Last evaluated: 2019-09-26. Review status: criteria provided, single submitter. Criteria: GeneDx Variant Classification Process June 2021. Collection method: clinical testing. Allele origin: germline. Affected: yes.

PreventionGenetics, part of Exact Sciences
Classification: Likely benign for ARID1A-related condition. Last evaluated: 2021-12-03. Review status: no assertion criteria provided. Collection method: clinical testing. Allele origin: germline. Not counted in ClinVar's aggregate classification.
Comment: This variant is classified as likely benign based on ACMG/AMP sequence variant interpretation guidelines (Richards et al. 2015 PMID: 25741868, with internal and published modifications).